The following is an entry in ClinVar:

ClinVar aggregate classification (germline): Likely pathogenic (1 of 4 stars; one submission).

Submission:

Labcorp Genetics (formerly Invitae), Labcorp
Classification: Likely pathogenic. Last evaluated: 2021-03-31. Review status: criteria provided, single submitter. Criteria: Invitae Variant Classification Sherloc (09022015). Collection method: clinical testing. Allele origin: germline.
Comment: This variant has not been reported in the literature in individuals with ADGRG1-related conditions. This variant is not present in population databases (ExAC no frequency). This sequence change replaces glycine with aspartic acid at codon 106 of the ADGRG1 protein (p.Gly106Asp). The glycine residue is highly conserved and there is a moderate physicochemical difference between glycine and aspartic acid. Advanced modeling of protein sequence and biophysical properties (such as structural, functional, and spatial information, amino acid conservation, physicochemical variation, residue mobility, and thermodynamic stability) performed at Invitae indicates that this missense variant is expected to disrupt ADGRG1 protein function. In summary, the currently available evidence indicates that the variant is pathogenic, but additional data are needed to prove that conclusively. Therefore, this variant has been classified as Likely Pathogenic. This variant disrupts the p.Gly106 amino acid residue in ADGRG1. Other variant(s) that disrupt this residue have been determined to be pathogenic (Invitae). This suggests that this residue is clinically significant, and that variants that disrupt this residue are likely to be disease-causing.

NM_201525.4(ADGRG1):c.317G>A (p.Gly106Asp)

Gene: ADGRG1 (adhesion G protein-coupled receptor G1; plus strand). Cytogenetic location: 16q21.
Variant type: single nucleotide variant.
Coding change: c.317G>A on transcript NM_201525.4 (MANE Select); coding-DNA position 317, G replaced by A.
Protein change: p.Gly106Asp; replaces glycine 106 with aspartic acid.
Molecular consequence: missense variant. On other transcripts: 5 prime UTR variant (5), intron variant (1).
Genome position (GRCh38, 1-based): chr16:57,651,452, G>A. VCF-style: chr16-57651452-G-A. GRCh37 (hg19) VCF-style: chr16-57685364-G-A.
Other names: c.317G>A, p.Gly106Asp (NM_001145770.3, NM_001145771.3, NM_001145772.3 and 16 more transcripts); c.332G>A, p.Gly111Asp (NM_001145773.3, NM_001370433.1); c.-209G>A (NM_001290143.2, NM_001290144.2, NM_001370451.1 and 2 more transcripts); c.161G>A, p.Gly54Asp (NM_001370442.1); c.110+207G>A (NM_001290142.2); short protein forms G54D, G106D, G111D.
Identifiers: ClinVar variation 1487597 (VCV001487597.8), dbSNP rs1187871689, ClinGen allele CA396043504.
Genomic context (GRCh38, chr16:57,651,452, plus strand): 5'-GCCTCTACCACTTCTGCCTCTACTGGAACCGACATGCTGGGAGATTACATCTTCTCTATG[G>A]CAAGCGTGACTTCTTGCTGAGTGACAAAGCCTCTAGCCTCCTCTGCTTCCAGCACCAGGA-3'
Protein context (NP_958933.1, residues 96-116): RHAGRLHLLY[Gly106Asp]KRDFLLSDKA